The following is an entry in ClinVar:

ClinVar aggregate classification (germline): Uncertain significance. Review status: criteria provided, multiple submitters, no conflicts (2 of 4 stars). 2 submissions from 2 submitters: Uncertain significance (2). Last evaluated 2024-12-30.

gnomAD v4.1: 1 of 1,613,992 alleles (0.000062%); highest among the groups gnomAD compares: Non-Finnish European, 0.000085%; no homozygotes.

Submissions (2):

Labcorp Genetics (formerly Invitae), Labcorp
Classification: Uncertain significance. Last evaluated: 2024-12-30. Review status: criteria provided, single submitter. Criteria: Invitae Variant Classification Sherloc (09022015). Collection method: clinical testing. Allele origin: germline.
Comment: This sequence change replaces isoleucine, which is neutral and non-polar, with phenylalanine, which is neutral and non-polar, at codon 1598 of the SCN3A protein (p.Ile1598Phe). This variant is not present in population databases (gnomAD no frequency). This variant has not been reported in the literature in individuals affected with SCN3A-related conditions. ClinVar contains an entry for this variant (Variation ID: 2506648). Invitae Evidence Modeling of protein sequence and biophysical properties (such as structural, functional, and spatial information, amino acid conservation, physicochemical variation, residue mobility, and thermodynamic stability) has been performed for this missense variant. However, the output from this modeling did not meet the statistical confidence thresholds required to predict the impact of this variant on SCN3A protein function. In summary, the available evidence is currently insufficient to determine the role of this variant in disease. Therefore, it has been classified as a Variant of Uncertain Significance.

GeneDx
Classification: Uncertain significance. Last evaluated: 2024-06-21. Review status: criteria provided, single submitter. Criteria: GeneDx Variant Classification Process June 2021. Collection method: clinical testing. Allele origin: germline. Affected: yes.
Comment: Not observed at significant frequency in large population cohorts (gnomAD); In silico analysis supports that this missense variant has a deleterious effect on protein structure/function; Has not been previously published as pathogenic or benign to our knowledge

NM_006922.4(SCN3A):c.4792A>T (p.Ile1598Phe)

Gene: SCN3A (sodium voltage-gated channel alpha subunit 3; minus strand). Cytogenetic location: 2q24.3.
Variant type: single nucleotide variant.
Coding change: c.4792A>T on transcript NM_006922.4 (MANE Select); coding-DNA position 4792, A replaced by T.
Protein change: p.Ile1598Phe; replaces isoleucine 1598 with phenylalanine.
Molecular consequence: missense variant.
Genome position (GRCh38, 1-based): chr2:165,092,269, T>A on the plus strand (A>T on the coding strand, the complement: SCN3A is on the minus strand). VCF-style: chr2-165092269-T-A. GRCh37 (hg19) VCF-style: chr2-165948779-T-A.
Other names: c.4645A>T, p.Ile1549Phe (NM_001081676.2, NM_001081677.2); short protein forms I1549F, I1598F.
Identifiers: ClinVar variation 2506648 (VCV002506648.4), dbSNP rs1574091364, ClinGen allele CA349018721.